The following is an entry in ClinVar:

ClinVar aggregate classification (germline): Uncertain significance. Review status: criteria provided, multiple submitters, no conflicts (2 of 4 stars). 5 submissions from 3 submitters: Uncertain significance (5). Last evaluated 2025-07-21.

Conditions:
Amyotrophic lateral sclerosis type 5 (ALS5). Also called: AMYOTROPHIC LATERAL SCLEROSIS 5, JUVENILE. Identifiers: Orphanet 300605, MedGen C1865864, MONDO:0011196, OMIM 602099.
Hereditary spastic paraplegia 11. Also called: Spastic paraplegia, mental retardation and thin corpus callosum; Nakamura Osame syndrome; Autosomal recessive hereditary spastic paraplegia, mental impairment, and thin corpus callosum; SPASTIC PARAPLEGIA, AUTOSOMAL RECESSIVE, COMPLICATED, WITH THIN CORPUS CALLOSUM; SPASTIC PARAPLEGIA, AUTOSOMAL RECESSIVE, WITH MENTAL IMPAIRMENT AND THIN CORPUS CALLOSUM; Spastic Paraplegia 11. Identifiers: Orphanet 2822, MedGen C1858479, MONDO:0011445, OMIM 604360.
Charcot-Marie-Tooth disease axonal type 2X. Also called: CHARCOT-MARIE-TOOTH DISEASE, AXONAL, AUTOSOMAL RECESSIVE, TYPE 2X; CHARCOT-MARIE-TOOTH NEUROPATHY, TYPE 2X. Identifiers: Orphanet 466775, MedGen C5569024, MONDO:0014726, OMIM 616668.

Allele frequency attached by ClinVar (database versions not stated): TOPMed below 0.00001; gnomAD 0.00001; gnomAD exomes 0.00001.
gnomAD v4.1: 15 of 1,614,038 alleles (0.00093%); highest among the groups gnomAD compares: Non-Finnish European, 0.0012%; no homozygotes.

Submissions (5):

Labcorp Genetics (formerly Invitae), Labcorp
Classification: Uncertain significance for Hereditary spastic paraplegia 11. Last evaluated: 2025-07-21. Review status: criteria provided, single submitter. Criteria: Invitae Variant Classification Sherloc (09022015). Collection method: clinical testing. Allele origin: germline.
Comment: This sequence change replaces glutamic acid, which is acidic and polar, with aspartic acid, which is acidic and polar, at codon 2060 of the SPG11 protein (p.Glu2060Asp). This variant is present in population databases (rs753980126, gnomAD 0.007%). This variant has not been reported in the literature in individuals affected with SPG11-related conditions. ClinVar contains an entry for this variant (Variation ID: 835037). Invitae Evidence Modeling of protein sequence and biophysical properties (such as structural, functional, and spatial information, amino acid conservation, physicochemical variation, residue mobility, and thermodynamic stability) indicates that this missense variant is expected to disrupt SPG11 protein function with a positive predictive value of 80%. In summary, the available evidence is currently insufficient to determine the role of this variant in disease. Therefore, it has been classified as a Variant of Uncertain Significance.

Mayo Clinic Laboratories, Mayo Clinic
Classification: Uncertain significance. Last evaluated: 2019-10-14. Review status: criteria provided, single submitter. Criteria: ACMG Guidelines, 2015. Collection method: clinical testing. Allele origin: germline. Observed: 1 variant allele.

Genome-Nilou Lab
Classification: Uncertain significance for Amyotrophic lateral sclerosis type 5. Review status: criteria provided, single submitter. Criteria: ACMG Guidelines, 2015. Collection method: clinical testing. Allele origin: germline.

Genome-Nilou Lab
Classification: Uncertain significance for Charcot-Marie-Tooth disease axonal type 2X. Review status: criteria provided, single submitter. Criteria: ACMG Guidelines, 2015. Collection method: clinical testing. Allele origin: germline.

Genome-Nilou Lab
Classification: Uncertain significance for Hereditary spastic paraplegia 11. Review status: criteria provided, single submitter. Criteria: ACMG Guidelines, 2015. Collection method: clinical testing. Allele origin: germline.

NM_025137.4(SPG11):c.6180G>C (p.Glu2060Asp)

Gene: SPG11 (SPG11 vesicle trafficking associated, spatacsin; minus strand). Cytogenetic location: 15q21.1.
Variant type: single nucleotide variant.
Coding change: c.6180G>C on transcript NM_025137.4 (MANE Select); coding-DNA position 6180, G replaced by C.
Protein change: p.Glu2060Asp; replaces glutamic acid 2060 with aspartic acid.
Molecular consequence: missense variant. On other transcripts: intron variant (1).
Genome position (GRCh38, 1-based): chr15:44,573,572, C>G on the plus strand (G>C on the coding strand, the complement: SPG11 is on the minus strand). VCF-style: chr15-44573572-C-G. GRCh37 (hg19) VCF-style: chr15-44865770-C-G.
Other names: c.5867-752G>C (NM_001160227.2); short protein forms E2060D.
Identifiers: ClinVar variation 835037 (VCV000835037.15), dbSNP rs753980126, ClinGen allele CA270069744.